The following is an entry in ClinVar:

ClinVar aggregate classification (germline): Uncertain significance (1 of 4 stars; one submission).

Submission:

CeGaT Center for Human Genetics Tuebingen
Classification: Uncertain significance. Last evaluated: 2024-05-01. Review status: criteria provided, single submitter. Criteria: CeGaT Center For Human Genetics Tuebingen Variant Classification Criteria Version 2. Collection method: clinical testing. Allele origin: germline. Affected: yes. Observed: 1 variant allele.
Comment: ATP1A2: PM2, PP2

NM_000702.4(ATP1A2):c.3013A>G (p.Ile1005Val)

Gene: ATP1A2 (ATPase Na+/K+ transporting subunit alpha 2; plus strand). Cytogenetic location: 1q23.2.
Variant type: single nucleotide variant.
Coding change: c.3013A>G on transcript NM_000702.4 (MANE Select); coding-DNA position 3013, A replaced by G.
Protein change: p.Ile1005Val; replaces isoleucine 1005 with valine.
Molecular consequence: missense variant.
Genome position (GRCh38, 1-based): chr1:160,139,963, A>G. VCF-style: chr1-160139963-A-G. GRCh37 (hg19) VCF-style: chr1-160109753-A-G.
Other names: short protein forms I1005V.
Identifiers: ClinVar variation 3239413 (VCV003239413.19), dbSNP rs2524899211.
Genomic context (GRCh38, chr1:160,139,963, plus strand): 5'-TGGTTCTGCGCCTTCCCCTACAGCCTCCTCATCTTCATCTATGATGAGGTCCGAAAGCTC[A>G]TCCTGCGGCGGTATCCTGGTGGTAAGCCCCTCCACATTCCCCCCAGCAAAGTGCAAGCCC-3'
Protein context (NP_000693.1, residues 995-1015): IFIYDEVRKL[Ile1005Val]LRRYPGGWVE